The following is an entry in ClinVar:

ClinVar aggregate classification (germline): Uncertain significance. Review status: criteria provided, single submitter (1 of 4 stars). 2 submissions from 2 submitters: Uncertain significance (1). 1 of the submissions does not count toward it. Last evaluated 2026-02-18.

Conditions:
SON-related disorder. Also called: SON-related condition.

Submissions (2):

GeneDx
Classification: Uncertain significance. Last evaluated: 2026-02-18. Review status: criteria provided, single submitter. Criteria: GeneDx Variant Classification Process June 2021. Collection method: clinical testing. Allele origin: germline.
Comment: Not observed at significant frequency in large population cohorts (gnomAD); In silico analysis suggests that this missense variant does not alter protein structure/function; Has not been previously published as pathogenic or benign to our knowledge.

PreventionGenetics, part of Exact Sciences
Classification: Uncertain significance for SON-related condition. Last evaluated: 2023-10-22. Review status: no assertion criteria provided. Collection method: clinical testing. Allele origin: germline. Not counted in ClinVar's aggregate classification.
Comment: The SON c.3014C>T variant is predicted to result in the amino acid substitution p.Ala1005Val. To our knowledge, this variant has not been reported in the literature or in a large population database, indicating this variant is rare. At this time, the clinical significance of this variant is uncertain due to the absence of conclusive functional and genetic evidence.

NM_138927.4(SON):c.3014C>T (p.Ala1005Val)

Gene: SON (SON DNA and RNA binding protein; plus strand). Cytogenetic location: 21q22.11.
Variant type: single nucleotide variant.
Coding change: c.3014C>T on transcript NM_138927.4 (MANE Select); coding-DNA position 3014, C replaced by T.
Protein change: p.Ala1005Val; replaces alanine 1005 with valine.
Molecular consequence: missense variant. On other transcripts: non-coding transcript variant (1), intron variant (1).
Genome position (GRCh38, 1-based): chr21:33,552,245, C>T. VCF-style: chr21-33552245-C-T. GRCh37 (hg19) VCF-style: chr21-34924551-C-T.
Other names: c.3014C>T, p.Ala1005Val (NM_001291411.2, NM_001412133.1, NM_032195.3 and 2 more transcripts); c.245-4911C>T (NM_001291412.3); short protein forms A1005V.
Identifiers: ClinVar variation 3031802 (VCV003031802.3), dbSNP rs2517367529, ClinGen allele CA410159258.